The following is an entry in ClinVar:

NM_013275.6(ANKRD11):c.2577C>G (p.Asp859Glu)

Gene: ANKRD11 (ankyrin repeat domain 11; minus strand). Cytogenetic location: 16q24.3.
Variant type: single nucleotide variant.
Coding change: c.2577C>G on transcript NM_013275.6 (MANE Select); coding-DNA position 2577, C replaced by G.
Protein change: p.Asp859Glu; replaces aspartic acid 859 with glutamic acid.
Molecular consequence: missense variant.
Genome position (GRCh38, 1-based): chr16:89,283,965, G>C on the plus strand (C>G on the coding strand, the complement: ANKRD11 is on the minus strand). VCF-style: chr16-89283965-G-C. GRCh37 (hg19) VCF-style: chr16-89350373-G-C.
Other names: c.2577C>G, p.Asp859Glu (NM_001256182.2, NM_001256183.2); short protein forms D859E.
Identifiers: ClinVar variation 1986218 (VCV001986218.4), dbSNP rs771173084, ClinGen allele CA8242559.
Genomic context (GRCh38, chr16:89,283,965, plus strand): 5'-CTCCAAGATGAGCTTGGCCACAGAGTCGCTCTTCATGTCCCTGTAGTCTGTCACTGGCGA[G>C]TCCCAGCTGTCCTCCCCTTTGAAATCAAAGGATGAATCGGACAAGTCAGAAAACCACCGA-3'
Protein context (NP_037407.4, residues 849-869): SFDFKGEDSW[Asp859Glu]SPVTDYRDMK

ClinVar aggregate classification (germline): Uncertain significance. Review status: criteria provided, multiple submitters, no conflicts (2 of 4 stars). 2 submissions from 2 submitters: Uncertain significance (2). Last evaluated 2026-06-01.

Conditions:
KBG syndrome (KBGS). Also called: ANKRD11-Related KBG Syndrome. Identifiers: Orphanet 2332, MedGen C0220687, MONDO:0007846, OMIM 148050.

Allele frequency attached by ClinVar (database versions not stated): TOPMed below 0.00001; ExAC 0.00001.

Submissions (2):

CeGaT Center for Human Genetics Tuebingen
Classification: Uncertain significance. Last evaluated: 2026-06-01. Review status: criteria provided, single submitter. Criteria: CeGaT Center For Human Genetics Tuebingen Variant Classification Criteria Version 2. Collection method: clinical testing. Allele origin: germline. Affected: yes. Observed: 1 variant allele.
Comment: ANKRD11: PM2

Labcorp Genetics (formerly Invitae), Labcorp
Classification: Uncertain significance for KBG syndrome. Last evaluated: 2022-05-16. Review status: criteria provided, single submitter. Criteria: Invitae Variant Classification Sherloc (09022015). Collection method: clinical testing. Allele origin: germline.
Comment: Advanced modeling of protein sequence and biophysical properties (such as structural, functional, and spatial information, amino acid conservation, physicochemical variation, residue mobility, and thermodynamic stability) performed at Invitae indicates that this missense variant is not expected to disrupt ANKRD11 protein function. This sequence change replaces aspartic acid, which is acidic and polar, with glutamic acid, which is acidic and polar, at codon 859 of the ANKRD11 protein (p.Asp859Glu). This variant is present in population databases (rs771173084, gnomAD 0.003%). This variant has not been reported in the literature in individuals affected with ANKRD11-related conditions. In summary, the available evidence is currently insufficient to determine the role of this variant in disease. Therefore, it has been classified as a Variant of Uncertain Significance.